The following is an entry in ClinVar:

NM_001358235.2(DCHS2):c.1692C>A (p.Ser564=)

Gene: DCHS2 (dachsous cadherin-related 2; minus strand). Cytogenetic location: 4q31.3.
Variant type: single nucleotide variant.
Coding change: c.1692C>A on transcript NM_001358235.2 (MANE Select); coding-DNA position 1692, C replaced by A.
Protein change: p.Ser564=; no amino-acid change (serine 564 retained).
Molecular consequence: synonymous variant.
Genome position (GRCh38, 1-based): chr4:154,489,664, G>T on the plus strand (C>A on the coding strand, the complement: DCHS2 is on the minus strand). VCF-style: chr4-154489664-G-T. GRCh37 (hg19) VCF-style: chr4-155410816-G-T.
Other names: c.1692C>A, p.Ser564= (NM_001142552.2, NM_001412223.1).
Identifiers: ClinVar variation 2655142 (VCV002655142.24), dbSNP rs374018766, ClinGen allele CA108730773.
Genomic context (GRCh38, chr4:154,489,664, plus strand): 5'-CGAGAGTTGGACTACAGTGTAGCGCAGCCAGGCGTGATCACTGCCTGCCTCGTCGGCATC[G>T]GAGGCGCTGACCCACATGACTACAGTGCCAGGGGCCGCGGCCTCGGACACTGAGGCCTTG-3'
Protein context (NP_001345164.1, residues 554-574): PGTVVMWVSA[Ser564=]DADEAGSDHA

ClinVar aggregate classification (germline): Likely benign (1 of 4 stars; one submission).

gnomAD v4.1: 186 of 1,551,528 alleles (0.012%); highest among the groups gnomAD compares: Non-Finnish European, 0.016%; no homozygotes.

Submission:

CeGaT Center for Human Genetics Tuebingen
Classification: Likely benign. Last evaluated: 2023-04-01. Review status: criteria provided, single submitter. Criteria: CeGaT Center For Human Genetics Tuebingen Variant Classification Criteria Version 2. Collection method: clinical testing. Allele origin: germline. Affected: yes. Observed: 1 variant allele.
Comment: DCHS2: BP4, BP7